The following is an entry in ClinVar:

NM_014991.6(WDFY3):c.1190G>T (p.Ser397Ile)

Gene: WDFY3 (WD repeat and FYVE domain containing 3; minus strand). Cytogenetic location: 4q21.23.
Variant type: single nucleotide variant.
Coding change: c.1190G>T on transcript NM_014991.6 (MANE Select); coding-DNA position 1190, G replaced by T.
Protein change: p.Ser397Ile; replaces serine 397 with isoleucine.
Molecular consequence: missense variant.
Genome position (GRCh38, 1-based): chr4:84,821,485, C>A on the plus strand (G>T on the coding strand, the complement: WDFY3 is on the minus strand). VCF-style: chr4-84821485-C-A. GRCh37 (hg19) VCF-style: chr4-85742638-C-A.
Other names: short protein forms S397I.
Identifiers: ClinVar variation 1703972 (VCV001703972.3), dbSNP rs2071982729, ClinGen allele CA357572589.

ClinVar aggregate classification (germline): Uncertain significance (1 of 4 stars; one submission).

Submission:

GeneDx
Classification: Uncertain significance. Last evaluated: 2023-07-19. Review status: criteria provided, single submitter. Criteria: GeneDx Variant Classification Process June 2021. Collection method: clinical testing. Allele origin: germline. Affected: yes.
Comment: Not observed at significant frequency in large population cohorts (gnomAD); In silico analysis supports that this missense variant has a deleterious effect on protein structure/function; Has not been previously published as pathogenic or benign to our knowledge